The following is an entry in ClinVar:

NM_003906.5(MCM3AP):c.4619C>A (p.Thr1540Asn)

Genes: MCM3AP (minichromosome maintenance complex component 3 associated protein; minus strand), MCM3AP-AS1 (MCM3AP antisense RNA 1; plus strand). Cytogenetic location: 21q22.3.
Variant type: single nucleotide variant.
Coding change: c.4619C>A on transcript NM_003906.5 (MANE Select); coding-DNA position 4619, C replaced by A.
Protein change: p.Thr1540Asn; replaces threonine 1540 with asparagine.
Molecular consequence: missense variant.
Genome position (GRCh38, 1-based): chr21:46,246,335, G>T on the plus strand (C>A on the coding strand, the complement: MCM3AP is on the minus strand). VCF-style: chr21-46246335-G-T. GRCh37 (hg19) VCF-style: chr21-47666249-G-T.
Other names: short protein forms T1540N.
Identifiers: ClinVar variation 1897137 (VCV001897137.3), dbSNP rs528170829, ClinGen allele CA10076068.

ClinVar aggregate classification (germline): Uncertain significance (1 of 4 stars; one submission).

Allele frequency attached by ClinVar (database versions not stated): gnomAD exomes 0.00001; gnomAD 0.00003; ExAC 0.00004; 1000 Genomes Project 30x 0.00062; 1000 Genomes Project 0.00080.
gnomAD v4.1: 16 of 1,609,858 alleles (0.00099%); highest among the groups gnomAD compares: East Asian, 0.036%; no homozygotes.

Submission:

Labcorp Genetics (formerly Invitae), Labcorp
Classification: Uncertain significance. Last evaluated: 2024-10-13. Review status: criteria provided, single submitter. Criteria: Invitae Variant Classification Sherloc (09022015). Collection method: clinical testing. Allele origin: germline.
Comment: This sequence change replaces threonine, which is neutral and polar, with asparagine, which is neutral and polar, at codon 1540 of the MCM3AP protein (p.Thr1540Asn). This variant is present in population databases (rs528170829, gnomAD 0.05%). This variant has not been reported in the literature in individuals affected with MCM3AP-related conditions. ClinVar contains an entry for this variant (Variation ID: 1897137). An algorithm developed to predict the effect of missense changes on protein structure and function (PolyPhen-2) suggests that this variant¬†is likely to be tolerated. In summary, the available evidence is currently insufficient to determine the role of this variant in disease. Therefore, it has been classified as a Variant of Uncertain Significance.